The following is an entry in ClinVar:

NM_032043.3(BRIP1):c.141del (p.Thr48fs)

Gene: BRIP1 (BRCA1 interacting DNA helicase 1; minus strand). Cytogenetic location: 17q23.2.
Variant type: Deletion.
Coding change: c.141del on transcript NM_032043.3 (MANE Select); coding-DNA position 141, one base deleted (C; older notation c.141delC).
Protein change: p.Thr48fs; shifts the reading frame from threonine 48.
Molecular consequence: frameshift variant.
Genome position (GRCh38, 1-based): chr17:61,859,860, G deleted on the plus strand (C on the coding strand, the reverse complement: BRIP1 is on the minus strand); the first of 3 consecutive G bases (chr17:61,859,860-61,859,862); deleting any one gives the same sequence. VCF-style (leftmost placement, unchanged base first): chr17-61859859-TG-T. GRCh37 (hg19) VCF-style: chr17-59937220-TG-T.
Other names: c.141delC (NM_032043.2); short protein forms T48fs.
Identifiers: ClinVar variation 141861 (VCV000141861.28), dbSNP rs587782065, ClinGen allele CA166639.

ClinVar aggregate classification (germline): Pathogenic/Likely pathogenic. Review status: criteria provided, multiple submitters, no conflicts (2 of 4 stars). 9 submissions from 9 submitters: Pathogenic (8); Likely pathogenic (1). Last evaluated 2025-11-25.

Conditions:
BRIP1-related disorder. Also called: BRIP1-related condition; BRIP1-related disorders. Identifiers: MedGen CN239206.
Hereditary cancer-predisposing syndrome. Also called: Tumor predisposition; Neoplastic Syndromes, Hereditary; Hereditary neoplastic syndrome; Hereditary Cancer Syndrome. Identifiers: Orphanet 140162, MedGen C0027672, MeSH D009386, MONDO:0015356.
Fanconi anemia complementation group J. Also called: BRIP1-Related Fanconi Anemia. Identifiers: Orphanet 84, MedGen C1836860, MONDO:0012187, OMIM 609054.
Familial cancer of breast. Also called: BREAST CANCER, FAMILIAL; Hereditary breast cancer; hereditary breast carcinoma. Identifiers: Orphanet 227535, MedGen C0346153, MONDO:0016419, OMIM 114480. Disease mechanism: loss of function.

Submissions (9):

Labcorp Genetics (formerly Invitae), Labcorp
Classification: Pathogenic for Familial cancer of breast; Fanconi anemia complementation group J. Last evaluated: 2025-11-25. Review status: criteria provided, single submitter. Criteria: Invitae Variant Classification Sherloc (09022015). Collection method: clinical testing. Allele origin: germline.
Comment: This sequence change creates a premature translational stop signal (p.Thr48Glnfs*7) in the BRIP1 gene. It is expected to result in an absent or disrupted protein product. Loss-of-function variants in BRIP1 are known to be pathogenic (PMID: 16116423, 17033622, 21964575). This variant is not present in population databases (gnomAD no frequency). This premature translational stop signal has been observed in individual(s) with chondrosarcoma and a personal and family history of breast cancer (PMID: 17033622, 26556299). ClinVar contains an entry for this variant (Variation ID: 141861). For these reasons, this variant has been classified as Pathogenic.

PreventionGenetics, part of Exact Sciences
Classification: Pathogenic for BRIP1-related condition. Last evaluated: 2025-09-09. Review status: criteria provided, single submitter. Criteria: ACMG Guidelines, 2015. Collection method: clinical testing. Allele origin: germline.
Comment: The BRIP1 c.141delC variant is predicted to result in a frameshift and premature protein termination (p.Thr48Glnfs*7). This variant has been observed as a germline variant in an individual with breast cancer and an individual with chondrosarcoma (Seal et al. 2006. PubMed ID: 17033622; Table S7 in Schrader et al. 2016. PubMed ID: 26556299). This variant has not been reported in a large population database (gnomAD), indicating this variant is rare. Frameshift variants in BRIP1 are expected to be pathogenic. This variant is interpreted as pathogenic.

Color Diagnostics, LLC DBA Color Health
Classification: Pathogenic for Hereditary cancer-predisposing syndrome. Last evaluated: 2024-06-12. Review status: criteria provided, single submitter. Criteria: ACMG Guidelines, 2015. Collection method: clinical testing. Allele origin: germline.
Comment: This variant deletes 1 nucleotide in exon 3/20 of the BRIP1 gene, creating a frameshift and premature translation stop signal. This variant is expected to result in an absent or non-functional protein product. Functional studies have shown that this variant significantly decreased cellular proliferation and homologous recombination activity (PMID: 33032822). This variant has been reported in individuals affected with breast cancer and/or ovarian cancer (PMID: 17033622, 23242139; DOI: 10.3389/fonc.2024.1372482). This variant has not been identified in the general population by the Genome Aggregation Database (gnomAD). Loss of BRIP1 function is a known mechanism of disease. Based on the available evidence, this variant is classified as Pathogenic.

Fulgent Genetics
Classification: Pathogenic for Familial cancer of breast; Fanconi anemia complementation group J. Last evaluated: 2024-02-23. Review status: criteria provided, single submitter. Criteria: ACMG Guidelines, 2015. Collection method: clinical testing. Allele origin: germline.

Ambry Genetics
Classification: Pathogenic for Hereditary cancer-predisposing syndrome. Last evaluated: 2023-12-20. Review status: criteria provided, single submitter. Criteria: Ambry Variant Classification Scheme 2023. Collection method: clinical testing. Allele origin: germline.
Comment: The c.141delC pathogenic mutation, located in coding exon 2 of the BRIP1 gene, results from a deletion of one nucleotide at nucleotide position 141, causing a translational frameshift with a predicted alternate stop codon (p.T48Qfs*7). This mutation was detected in 1/1212 women diagnosed with breast cancer and was not detected in 2081 controls (Seal S et al. Nat. Genet. 2006; 38:1239-41). This alteration is expected to result in loss of function by premature protein truncation or nonsense-mediated mRNA decay. As such, this alteration is interpreted as a disease-causing mutation.

Baylor Genetics
Classification: Pathogenic for Familial cancer of breast. Last evaluated: 2023-11-02. Review status: criteria provided, single submitter. Criteria: ACMG Guidelines, 2015. Collection method: clinical testing. Allele origin: unknown.

GeneDx
Classification: Pathogenic. Last evaluated: 2023-11-02. Review status: criteria provided, single submitter. Criteria: GeneDx Variant Classification Process June 2021. Collection method: clinical testing. Allele origin: germline. Affected: yes.
Comment: Frameshift variant predicted to result in protein truncation or nonsense mediated decay in a gene for which loss of function is a known mechanism of disease; Observed in a patient with breast cancer (PMID: 17033622); Published functional studies demonstrate reduced homologous recombination activity (PMID: 33032822); Not observed at significant frequency in large population cohorts (gnomAD); This variant is associated with the following publications: (PMID: 20346647, 19763819, 28152038, 26556299, 16116423, 21964575, 23242139, 33032822, 17033622)

Myriad Genetics, Inc.
Classification: Pathogenic for Familial cancer of breast. Last evaluated: 2023-05-30. Review status: criteria provided, single submitter. Criteria: Myriad Autosomal Dominant, Autosomal Recessive and X-Linked Classification Criteria (2023). Collection method: clinical testing. Allele origin: unknown.
Comment: This variant is considered pathogenic. This variant creates a frameshift predicted to result in premature protein truncation.

Women's Health and Genetics/Laboratory Corporation of America, LabCorp
Classification: Likely pathogenic for Familial cancer of breast. Last evaluated: 2020-02-25. Review status: criteria provided, single submitter. Criteria: LabCorp Variant Classification Summary - May 2015. Collection method: clinical testing. Allele origin: germline.
Comment: Variant summary: BRIP1 c.141delC (p.Thr48GlnfsX7) results in a premature termination codon, predicted to cause a truncation of the encoded protein or absence of the protein due to nonsense mediated decay, which are commonly known mechanisms for disease. Truncations downstream of this position have been classified as pathogenic by our laboratory. The variant was absent in 251412 control chromosomes (gnomAD). c.141delC has been reported in the literature in at least one individual with a personal- and family history of breast cancer (Seal_2006, Ruark_2013) and one individual affected with chondrosarcoma (Schrader_2016). To our knowledge, no experimental evidence demonstrating an impact on protein function has been reported. Four clinical diagnostic laboratories have submitted clinical-significance assessments for this variant to ClinVar after 2014 without evidence for independent evaluation. All laboratories classified the variant as pathogenic. Based on the evidence outlined above, the variant was classified as likely pathogenic.

Literature cited by the submitters: PubMed 16116423 (cited by Labcorp Genetics (formerly Invitae), Labcorp); PubMed 17033622 (cited by 4 submitters); PubMed 21964575 (cited by Labcorp Genetics (formerly Invitae), Labcorp); PubMed 26556299 (cited by Labcorp Genetics (formerly Invitae), Labcorp and Women's Health and Genetics/Laboratory Corporation of America, LabCorp); PubMed 23242139 (cited by Color Diagnostics, LLC DBA Color Health and Women's Health and Genetics/Laboratory Corporation of America, LabCorp); PubMed 33032822 (cited by Color Diagnostics, LLC DBA Color Health); PubMed 20346647 (cited by Ambry Genetics); PubMed 19763819 (cited by Women's Health and Genetics/Laboratory Corporation of America, LabCorp).